The following is an entry in ClinVar:

ClinVar aggregate classification (germline): Pathogenic. Review status: criteria provided, multiple submitters, no conflicts (2 of 4 stars). 2 submissions from 2 submitters: Pathogenic (2). Last evaluated 2023-10-18.

Allele frequency attached by ClinVar (database versions not stated): gnomAD exomes below 0.00001.
gnomAD v4.1: 1 of 1,612,696 alleles (0.000062%); highest among the groups gnomAD compares: Non-Finnish European, 0.000085%; no homozygotes.

Submissions (2):

Labcorp Genetics (formerly Invitae), Labcorp
Classification: Pathogenic. Last evaluated: 2023-10-18. Review status: criteria provided, single submitter. Criteria: Invitae Variant Classification Sherloc (09022015). Collection method: clinical testing. Allele origin: germline.
Comment: This sequence change affects a donor splice site in intron 46 of the COL4A1 gene. It is expected to disrupt RNA splicing. Variants that disrupt the donor or acceptor splice site typically lead to a loss of protein function (PMID: 16199547), and loss-of-function variants in COL4A1 are known to be pathogenic (PMID: 23225343). This variant is not present in population databases (gnomAD no frequency). Disruption of this splice site has been observed in individual(s) with COL4A1-related conditions (PMID: 25719457). In at least one individual the variant was observed to be de novo. ClinVar contains an entry for this variant (Variation ID: 1322130). Algorithms developed to predict the effect of sequence changes on RNA splicing suggest that this variant may disrupt the consensus splice site. For these reasons, this variant has been classified as Pathogenic.

Revvity Omics, Revvity
Classification: Pathogenic. Last evaluated: 2019-06-05. Review status: criteria provided, single submitter. Criteria: ACMG Guidelines, 2015. Collection method: clinical testing. Allele origin: germline.

Literature cited by the submitters: PubMed 16199547 (cited by Labcorp Genetics (formerly Invitae), Labcorp); PubMed 23225343 (cited by Labcorp Genetics (formerly Invitae), Labcorp); PubMed 25719457 (cited by Labcorp Genetics (formerly Invitae), Labcorp).

NM_001845.6(COL4A1):c.4150+1G>A

Gene: COL4A1 (collagen type IV alpha 1 chain; minus strand). Cytogenetic location: 13q34.
Variant type: single nucleotide variant.
Coding change: c.4150+1G>A on transcript NM_001845.6 (MANE Select); the canonical splice donor site of the intron after coding-DNA position 4150, G replaced by A.
Molecular consequence: splice donor variant.
Genome position (GRCh38, 1-based): chr13:110,164,861, C>T on the plus strand (G>A on the coding strand, the complement: COL4A1 is on the minus strand). VCF-style: chr13-110164861-C-T. GRCh37 (hg19) VCF-style: chr13-110817208-C-T.
Identifiers: ClinVar variation 1322130 (VCV001322130.7), dbSNP rs2139149159, ClinGen allele CA388659921.
Genomic context (GRCh38, chr13:110,164,861, plus strand): 5'-AACTCTGACCACTGCCCCTCTGGGCTCCCCATACCGCCCTGCACAGGCCAAGCCTTCTCA[C>T]CTTGCTGGCCTTTCGGGCCTGGCAGTCCCTGAAGCCCTTTCAGCCCTGGGGGGCCCTCAG-3'